The following is an entry in ClinVar:

ClinVar aggregate classification (germline): Uncertain significance (1 of 4 stars; one submission).

Submission:

GeneDx
Classification: Uncertain significance. Last evaluated: 2026-01-23. Review status: criteria provided, single submitter. Criteria: GeneDx Variant Classification Process June 2021. Collection method: clinical testing. Allele origin: germline.
Comment: Not observed at significant frequency in large population cohorts (gnomAD); In silico analysis suggests that this missense variant does not alter protein structure/function; Has not been previously published as pathogenic or benign to our knowledge

NM_001042424.3(NSD2):c.1398A>C (p.Lys466Asn)

Gene: NSD2 (nuclear receptor binding SET domain protein 2; plus strand). Cytogenetic location: 4p16.3.
Variant type: single nucleotide variant.
Coding change: c.1398A>C on transcript NM_001042424.3 (MANE Select); coding-DNA position 1398, A replaced by C.
Protein change: p.Lys466Asn; replaces lysine 466 with asparagine.
Molecular consequence: missense variant.
Genome position (GRCh38, 1-based): chr4:1,918,611, A>C. VCF-style: chr4-1918611-A-C. GRCh37 (hg19) VCF-style: chr4-1920338-A-C.
Other names: c.1398A>C, p.Lys466Asn (NM_001440892.1, NM_001440894.1, NM_001440895.1 and 8 more transcripts); c.1497A>C, p.Lys499Asn (NM_001440893.1); c.429A>C, p.Lys143Asn (NM_001440899.1, NM_001440900.1); short protein forms K143N, K466N, K499N.
Identifiers: ClinVar variation 4975526 (VCV004975526.1).